The following is an entry in ClinVar:

NM_001370348.2(PHF3):c.2560G>A (p.Ala854Thr)

Gene: PHF3 (PHD finger protein 3; plus strand). Cytogenetic location: 6q12.
Variant type: single nucleotide variant.
Coding change: c.2560G>A on transcript NM_001370348.2 (MANE Select); coding-DNA position 2560, G replaced by A.
Protein change: p.Ala854Thr; replaces alanine 854 with threonine.
Molecular consequence: missense variant.
Genome position (GRCh38, 1-based): chr6:63,694,644, G>A. VCF-style: chr6-63694644-G-A. GRCh37 (hg19) VCF-style: chr6-64404534-G-A.
Other names: c.2296G>A, p.Ala766Thr (NM_001290259.2, NM_001370349.2); c.367G>A, p.Ala123Thr (NM_001370350.2); c.2560G>A, p.Ala854Thr (NM_015153.4); short protein forms A123T, A766T, A854T.
Identifiers: ClinVar variation 3048131 (VCV003048131.2), dbSNP rs73441021, ClinGen allele CA3875927.

ClinVar aggregate classification (germline): Benign (0 of 4 stars; one submission).

Conditions:
PHF3-related disorder. Also called: PHF3-related condition.

Allele frequency attached by ClinVar (database versions not stated): gnomAD exomes 0.00025; ExAC 0.00093; 1000 Genomes Project 0.00260; ESP Exome Variant Server 0.00277; TOPMed 0.00328; gnomAD 0.00293; 1000 Genomes Project 30x 0.00328.
gnomAD v4.1: 814 of 1,588,874 alleles (0.051%); highest among the groups gnomAD compares: African/African-American, 1%; 4 homozygotes.

Submission:

PreventionGenetics, part of Exact Sciences
Classification: Benign for PHF3-related condition. Last evaluated: 2024-02-12. Review status: no assertion criteria provided. Collection method: clinical testing. Allele origin: germline.
Comment: This variant is classified as benign based on ACMG/AMP sequence variant interpretation guidelines (Richards et al. 2015 PMID: 25741868, with internal and published modifications).